The following is an entry in ClinVar:

ClinVar aggregate classification (germline): Likely pathogenic (1 of 4 stars; one submission).

Conditions:
Inborn genetic diseases. Identifiers: MedGen C0950123, MeSH D030342.

Submission:

Ambry Genetics
Classification: Likely pathogenic for Inborn genetic diseases. Last evaluated: 2024-12-30. Review status: criteria provided, single submitter. Criteria: Ambry Variant Classification Scheme 2023. Collection method: clinical testing. Allele origin: germline.
Comment: The c.2837G>C (p.R946P) alteration is located in exon 16 (coding exon 16) of the CHD3 gene. This alteration results from a G to C substitution at nucleotide position 2837, causing the arginine (R) at amino acid position 946 to be replaced by a proline (P). This variant was not reported in population-based cohorts in the Genome Aggregation Database (gnomAD). This amino acid position is highly conserved in available vertebrate species. This missense alteration is located in a region that has a low rate of benign missense variation (Lek, 2016; Firth, 2009). This alteration is predicted to be deleterious by in silico analysis. Based on the available evidence, this alteration is classified as likely pathogenic.

NM_001005273.3(CHD3):c.2660G>C (p.Arg887Pro)

Gene: CHD3 (chromodomain helicase DNA binding protein 3; plus strand). Cytogenetic location: 17p13.1.
Variant type: single nucleotide variant.
Coding change: c.2660G>C on transcript NM_001005273.3 (MANE Select); coding-DNA position 2660, G replaced by C.
Protein change: p.Arg887Pro; replaces arginine 887 with proline.
Molecular consequence: missense variant.
Genome position (GRCh38, 1-based): chr17:7,900,011, G>C. VCF-style: chr17-7900011-G-C. GRCh37 (hg19) VCF-style: chr17-7803329-G-C.
Other names: c.2837G>C, p.Arg946Pro (NM_001005271.3); c.2660G>C, p.Arg887Pro (NM_005852.4); short protein forms R887P, R946P.
Identifiers: ClinVar variation 3491962 (VCV003491962.2).